The following is an entry in ClinVar:

NM_001614.5(ACTG1):c.1023C>T (p.Ile341=)

Gene: ACTG1 (actin gamma 1; minus strand). Cytogenetic location: 17q25.3.
Variant type: single nucleotide variant.
Coding change: c.1023C>T on transcript NM_001614.5 (MANE Select); coding-DNA position 1023, C replaced by T.
Protein change: p.Ile341=; no amino-acid change (isoleucine 341 retained).
Molecular consequence: synonymous variant. On other transcripts: non-coding transcript variant (1).
Genome position (GRCh38, 1-based): chr17:81,510,795, G>A on the plus strand (C>T on the coding strand, the complement: ACTG1 is on the minus strand). VCF-style: chr17-81510795-G-A. GRCh37 (hg19) VCF-style: chr17-79477821-G-A.
Other names: c.1023C>T, p.Ile341= (NM_001199954.3).
Identifiers: ClinVar variation 1205357 (VCV001205357.7), dbSNP rs140865670, ClinGen allele CA8835838.

ClinVar aggregate classification (germline): Likely benign. Review status: criteria provided, multiple submitters, no conflicts (2 of 4 stars). 4 submissions from 4 submitters: Likely benign (4). Last evaluated 2026-07-01.

Conditions:
Autosomal dominant nonsyndromic hearing loss 20. Identifiers: Orphanet 90635, MedGen C1858172, MONDO:0011480, OMIM 604717.
Baraitser-winter syndrome 2. Identifiers: Orphanet 2995, MedGen C3281235, MONDO:0013812, OMIM 614583.

Allele frequency attached by ClinVar (database versions not stated): ExAC 0.00001; gnomAD 0.00002; ESP Exome Variant Server 0.00008.
gnomAD v4.1: 34 of 1,613,442 alleles (0.0021%); highest among the groups gnomAD compares: Middle Eastern, 0.033%; no homozygotes.

Submissions (4):

CeGaT Center for Human Genetics Tuebingen
Classification: Likely benign. Last evaluated: 2026-07-01. Review status: criteria provided, single submitter. Criteria: CeGaT Center For Human Genetics Tuebingen Variant Classification Criteria Version 2. Collection method: clinical testing. Allele origin: germline. Affected: yes. Observed: 1 variant allele.
Comment: ACTG1: BP4, BP7

Labcorp Genetics (formerly Invitae), Labcorp
Classification: Likely benign for Baraitser-winter syndrome 2; Autosomal dominant nonsyndromic hearing loss 20. Last evaluated: 2024-07-17. Review status: criteria provided, single submitter. Criteria: Invitae Variant Classification Sherloc (09022015). Collection method: clinical testing. Allele origin: germline.

Blueprint Genetics
Classification: Likely benign. Last evaluated: 2024-05-29. Review status: criteria provided, single submitter. Criteria: ACMG Guidelines, 2015. Collection method: clinical testing. Allele origin: germline.

GeneDx
Classification: Likely benign. Last evaluated: 2020-04-15. Review status: criteria provided, single submitter. Criteria: GeneDx Variant Classification Process June 2021. Collection method: clinical testing. Allele origin: germline. Affected: yes.